The following is an entry in ClinVar:

NM_001278293.3(ARL6):c.473A>G (p.His158Arg)

Gene: ARL6 (ARF like GTPase 6; plus strand). Cytogenetic location: 3q11.2.
Variant type: single nucleotide variant.
Coding change: c.473A>G on transcript NM_001278293.3 (MANE Select); coding-DNA position 473, A replaced by G.
Protein change: p.His158Arg; replaces histidine 158 with arginine.
Molecular consequence: missense variant. On other transcripts: non-coding transcript variant (7).
Genome position (GRCh38, 1-based): chr3:97,788,113, A>G. VCF-style: chr3-97788113-A-G. GRCh37 (hg19) VCF-style: chr3-97506957-A-G.
Other names: c.473A>G, p.His158Arg (NM_001323513.2, NM_001323514.2, NM_032146.5 and 1 more transcripts); short protein forms H158R.
Identifiers: ClinVar variation 3058599 (VCV003058599.2), dbSNP rs774204609, ClinGen allele CA79493978.

ClinVar aggregate classification (germline): Uncertain significance (0 of 4 stars; one submission).

Conditions:
ARL6-related disorder. Also called: ARL6-related condition.

Allele frequency attached by ClinVar (database versions not stated): gnomAD 0.00002; TOPMed 0.00002; gnomAD exomes 0.00005.
gnomAD v4.1: 80 of 1,612,702 alleles (0.005%); highest among the groups gnomAD compares: Non-Finnish European, 0.006%; no homozygotes.

Submission:

PreventionGenetics, part of Exact Sciences
Classification: Uncertain significance for ARL6-related condition. Last evaluated: 2024-02-27. Review status: no assertion criteria provided. Collection method: clinical testing. Allele origin: germline.
Comment: The ARL6 c.473A>G variant is predicted to result in the amino acid substitution p.His158Arg. To our knowledge, this variant has not been reported in the literature. This variant is reported in 0.0016% of alleles in individuals of European (Non-Finnish) descent in gnomAD. At this time, the clinical significance of this variant is uncertain due to the absence of conclusive functional and genetic evidence.